The following is an entry in ClinVar:

ClinVar aggregate classification (germline): Uncertain significance (1 of 4 stars; one submission).

gnomAD v4.1: 10 of 1,613,930 alleles (0.00062%); highest among the groups gnomAD compares: Non-Finnish European, 0.00076%; no homozygotes.

Submission:

GeneDx
Classification: Uncertain significance. Last evaluated: 2025-06-02. Review status: criteria provided, single submitter. Criteria: GeneDx Variant Classification Process June 2021. Collection method: clinical testing. Allele origin: germline. Affected: yes.
Comment: Not observed at significant frequency in large population cohorts (gnomAD); In silico analysis suggests that this missense variant does not alter protein structure/function; Has not been previously published as pathogenic or benign to our knowledge

NM_194279.4(ISCA2):c.193G>A (p.Glu65Lys)

Gene: ISCA2 (iron-sulfur cluster assembly 2; plus strand). Cytogenetic location: 14q24.3.
Variant type: single nucleotide variant.
Coding change: c.193G>A on transcript NM_194279.4 (MANE Select); coding-DNA position 193, G replaced by A.
Protein change: p.Glu65Lys; replaces glutamic acid 65 with lysine.
Molecular consequence: missense variant. On other transcripts: intron variant (1).
Genome position (GRCh38, 1-based): chr14:74,494,293, G>A. VCF-style: chr14-74494293-G-A. GRCh37 (hg19) VCF-style: chr14-74960996-G-A.
Other names: c.174+141G>A (NM_001272007.2); short protein forms E65K.
Identifiers: ClinVar variation 4536225 (VCV004536225.1).